The following is an entry in ClinVar:

NM_015057.5(MYCBP2):c.4594T>G (p.Leu1532Val)

Gene: MYCBP2 (MYC binding protein 2; minus strand). Cytogenetic location: 13q22.3.
Variant type: single nucleotide variant.
Coding change: c.4594T>G on transcript NM_015057.5 (MANE Select); coding-DNA position 4594, T replaced by G.
Protein change: p.Leu1532Val; replaces leucine 1532 with valine.
Molecular consequence: missense variant.
Genome position (GRCh38, 1-based): chr13:77,185,228, A>C on the plus strand (T>G on the coding strand, the complement: MYCBP2 is on the minus strand). VCF-style: chr13-77185228-A-C. GRCh37 (hg19) VCF-style: chr13-77759363-A-C.
Other names: short protein forms L1532V.
Identifiers: ClinVar variation 3365157 (VCV003365157.1).

ClinVar aggregate classification (germline): Uncertain significance (1 of 4 stars; one submission).

gnomAD v4.1: 1 of 1,614,192 alleles (0.000062%); highest among the groups gnomAD compares: Non-Finnish European, 0.000085%; no homozygotes.

Submission:

GeneDx
Classification: Uncertain significance. Last evaluated: 2023-12-04. Review status: criteria provided, single submitter. Criteria: GeneDx Variant Classification Process June 2021. Collection method: clinical testing. Allele origin: germline. Affected: yes.
Comment: Not observed at significant frequency in large population cohorts (gnomAD); In silico analysis supports a deleterious effect on splicing; In silico analysis supports that this missense variant does not alter protein structure/function; Has not been previously published as pathogenic or benign to our knowledge